The following is an entry in ClinVar:

ClinVar aggregate classification (germline): Uncertain significance. Review status: criteria provided, multiple submitters, no conflicts (2 of 4 stars). 2 submissions from 2 submitters: Uncertain significance (2). Last evaluated 2026-05-12.

Conditions:
ENHANCED S-CONE SYNDROME 1 (ESCS1). Also called: RETINOSCHISIS WITH EARLY HEMERALOPIA; FAVRE HYALOIDEORETINAL DEGENERATION. Identifiers: MedGen CN380299, OMIM 268100.
Retinitis pigmentosa 37 (RP37). Identifiers: Orphanet 791, MedGen C1970163, MONDO:0012625, OMIM 611131.

Submissions (2):

Myriad Genetics, Inc.
Classification: Uncertain significance for ENHANCED S-CONE SYNDROME 1. Last evaluated: 2026-05-12. Review status: criteria provided, single submitter. Criteria: Myriad Autosomal Dominant, Autosomal Recessive and X-Linked Classification Criteria (2023). Collection method: clinical testing. Allele origin: unknown.
Comment: NM_014249.2(NR2E3):c.653A>G(D218G) is a missense variant classified as a variant of uncertain significance in the context of enhanced S-cone syndrome. D218G has not been observed in cases with relevant disease. Relevant functional assessments of this variant are not available in the literature. D218G has not been observed in referenced population frequency databases. In summary, there is insufficient evidence to classify NM_014249.2(NR2E3):c.653A>G(D218G) as pathogenic or benign. Please note: this variant was assessed in the context of healthy population screening.

MVZ Martinsried, Medicover Genetics
Classification: Uncertain significance for Retinitis pigmentosa 37. Last evaluated: 2021-10-08. Review status: criteria provided, single submitter. Criteria: ACGS Guidelines, 2020. Collection method: clinical testing. Allele origin: unknown. Affected: yes.

NM_014249.4(NR2E3):c.653A>G (p.Asp218Gly)

Gene: NR2E3 (nuclear receptor subfamily 2 group E member 3; plus strand). Cytogenetic location: 15q23.
Variant type: single nucleotide variant.
Coding change: c.653A>G on transcript NM_014249.4 (MANE Select); coding-DNA position 653, A replaced by G.
Protein change: p.Asp218Gly; replaces aspartic acid 218 with glycine.
Molecular consequence: missense variant.
Genome position (GRCh38, 1-based): chr15:71,812,417, A>G. VCF-style: chr15-71812417-A-G. GRCh37 (hg19) VCF-style: chr15-72104757-A-G.
Other names: c.653A>G, p.Asp218Gly (NM_016346.4); short protein forms D218G.
Identifiers: ClinVar variation 1330291 (VCV001330291.2), dbSNP rs2140290038, ClinGen allele CA393035346.